The following continues an entry in ClinVar:

NM_024426.6(WT1):c.1399C>T (p.Arg467Trp)

Gene: WT1. ClinVar aggregate classification (germline): Pathogenic/Likely pathogenic. Pathogenic (14); Likely pathogenic (1).

Submissions 11 to 23 of 23:

GeneDx
Classification: Pathogenic. Last evaluated: 2022-12-22. Review status: criteria provided, single submitter. Criteria: GeneDx Variant Classification Process June 2021. Collection method: clinical testing. Allele origin: germline. Affected: yes.
Comment: Published functional studies demonstrate a damaging effect: variant abolishes DNA binding (Little 1995, Duarte 1998, Barrera 2016); Not observed at significant frequency in large population cohorts (gnomAD); In silico analysis supports that this missense variant has a deleterious effect on protein structure/function; Also known as Arg394Trp; This variant is associated with the following publications: (PMID: 25818337, 10470095, 25501161, 28921387, 28204945, 9460996, 26069768, 20595692, 31937884, 24402088, 15509792, 11299720, 23715653, 27013732, 27899157, 28068926, 28476686, 28720077, 29869118, 28851938, 29982877, 29320783, 29801916, 30963316, 31278746, 31707902, 1655284, 27300205, 1327525, 7795587, 8486616, 32581362, 34031707, 33742552, 32604935, 32352694, 29294058, 34386660)

Baylor Genetics
Classification: Pathogenic for Drash syndrome. Last evaluated: 2019-07-25. Review status: criteria provided, single submitter. Criteria: ACMG Guidelines, 2015. Collection method: clinical testing. Allele origin: unknown. Affected: yes.
Comment: This variant was determined to be pathogenic according to ACMG Guidelines, 2015 [PMID:25741868].

Mendelics
Classification: Pathogenic for Drash syndrome. Last evaluated: 2019-05-28. Review status: criteria provided, single submitter. Criteria: Mendelics Assertion Criteria 2017. Collection method: clinical testing. Allele origin: unknown.

Genome Diagnostics Laboratory, The Hospital for Sick Children
Classification: Pathogenic for Kidney disorder. Last evaluated: 2018-02-01. Review status: criteria provided, single submitter. Criteria: ACMG Guidelines, 2015. Collection method: clinical testing. Allele origin: germline.

Neuberg Centre For Genomic Medicine, NCGM
Classification: Pathogenic for Nephrotic syndrome, type 4. Review status: criteria provided, single submitter. Criteria: ACMG Guidelines, 2015. Collection method: clinical testing. Allele origin: germline. Inheritance: Autosomal dominant inheritance. Affected: yes.
Comment: The observed missense c.1399C>T (p.Arg467Trp) variant in WT1 gene has been previously reported in heterozygous state in multiple individual(s) affected with WT1-related disorder (Bezdicka M, et al., 2020; Nagano C, et al., 2020). Experimental studies have shown that this missense change affects WT1 function (Gao F, et al., 2004).

PreventionGenetics, part of Exact Sciences
Classification: Pathogenic for WT1-related condition. Last evaluated: 2024-08-05. Review status: no assertion criteria provided. Collection method: clinical testing. Allele origin: germline. Not counted in ClinVar's aggregate classification.
Comment: The WT1 c.1384C>T variant is predicted to result in the amino acid substitution p.Arg462Trp. This variant has been reported in numerous patients to be causative for Denys-Drash syndrome/Wilms tumor and has been previously documented as c.1180C>T (p.Arg394Trp) (Pelletier et al. 1991. PubMed ID: 1655284; Schumacher et al. 1998. PubMed ID: 9607189; Zhu et al. 2013. PubMed ID: 23715653; Lehnhardt et al. 2015. PubMed ID: 25818337; Barrera et al. 2016. PubMed ID: 27013732; Eggers et al. 2016. PubMed ID: 27899157, referred as p.R445W in Suppl. Table 1). In at least two individuals, this variant was observed to be de novo (Gambale et al. 2019. PubMed ID: 31278746; Nagano et al. 2020. PubMed ID: 31937884). Different substitutions at the same position (p.Arg462Gly, p.Arg467Gln, p.Arg467Pro and p.Arg467Leu) have also been reported to be causative for Denys-Drash syndrome/Wilms tumor/nephrotic syndrome (see for example, Bruening et al. 1992. PubMed ID: 1302008; Jeanpierre et al. 1998. PubMed ID: 9529364; Royer-Pokora et al. 2004. PubMed ID: 15150775; Chernin et al. 2010. PubMed ID: 20595692). The c.1384C>T (p.Arg462Trp) variant has not been reported in a large population database, indicating this variant is rare. This variant is interpreted as pathogenic.

OMIM
Classification: Pathogenic for DENYS-DRASH SYNDROME. Last evaluated: 2007-10-01. Review status: no assertion criteria provided. Collection method: literature only. Allele origin: germline. Not counted in ClinVar's aggregate classification.

OMIM
Classification: Pathogenic for MEACHAM SYNDROME. Last evaluated: 2007-10-01. Review status: no assertion criteria provided. Collection method: literature only. Allele origin: germline. Not counted in ClinVar's aggregate classification.

OMIM
Classification: Pathogenic for NEPHROTIC SYNDROME TYPE 4. Last evaluated: 2007-10-01. Review status: no assertion criteria provided. Collection method: literature only. Allele origin: germline. Not counted in ClinVar's aggregate classification.

GeneReviews
No classification provided. Condition: Wilms tumor 1. Review status: no classification provided. Collection method: literature only. Allele origin: germline. Not counted in ClinVar's aggregate classification.
Comment: The most common pathogenic variant

Genome Diagnostics Laboratory, University Medical Center Utrecht
Classification: Pathogenic. Review status: no assertion criteria provided. Collection method: clinical testing. Allele origin: germline. Affected: yes. Study: VKGL Data-share Consensus. Not counted in ClinVar's aggregate classification.

Joint Genome Diagnostic Labs from Nijmegen and Maastricht, Radboudumc and MUMC+
Classification: Pathogenic. Review status: no assertion criteria provided. Collection method: clinical testing. Allele origin: germline. Affected: yes. Study: VKGL Data-share Consensus. Not counted in ClinVar's aggregate classification.

NIHR Bioresource Rare Diseases, University of Cambridge
Classification: Likely pathogenic for Nephrotic range proteinuria; Steroid-resistant nephrotic syndrome. Review status: no assertion criteria provided. Collection method: research. Allele origin: unknown. Affected: yes. Observed: 1 variant allele. Not counted in ClinVar's aggregate classification.

Literature cited by the submitters: PubMed 1327525 (cited by Labcorp Genetics (formerly Invitae), Labcorp and OMIM); PubMed 1338906 (cited by Labcorp Genetics (formerly Invitae), Labcorp and OMIM); PubMed 9529364 (cited by Labcorp Genetics (formerly Invitae), Labcorp and Ambry Genetics); PubMed 17853480 (cited by 3 submitters); PubMed 23715653 (cited by Labcorp Genetics (formerly Invitae), Labcorp and Athena Diagnostics); PubMed 1655284 (cited by 6 submitters); PubMed 15509792 (cited by 3 submitters); PubMed 29320783 (cited by Ambry Genetics); PubMed 31937884 (cited by Ambry Genetics); PubMed 32891756 (cited by Ambry Genetics); PubMed 34727091 (cited by Ambry Genetics); PubMed 1302008 (cited by 3billion and OMIM); PubMed 11182928 (cited by Athena Diagnostics); PubMed 15150775 (cited by Athena Diagnostics); PubMed 9607189 (cited by Athena Diagnostics and OMIM); PubMed 25501161 (cited by Athena Diagnostics); PubMed 25818337 (cited by Athena Diagnostics); PubMed 23497137 (cited by Athena Diagnostics); PubMed 17496156 (cited by Athena Diagnostics); PubMed 12970737 (cited by Athena Diagnostics); PubMed 26069768 (cited by Athena Diagnostics); PubMed 17541636 (cited by Athena Diagnostics); PubMed 36964972 (cited by Athena Diagnostics); PubMed 33742552 (cited by Athena Diagnostics); PubMed 34386660 (cited by Athena Diagnostics); PubMed 36245711 (cited by Athena Diagnostics); PubMed 29869118 (cited by Athena Diagnostics); PubMed 32352694 (cited by Division of Genetic & Genomic Pathology, Hong Kong Children's Hospital and GeneReviews); PubMed 6307071 (cited by OMIM); PubMed 9090524 (cited by OMIM); PubMed 32581362 (cited by NIHR Bioresource Rare Diseases, University of Cambridge).